The following is an entry in ClinVar:

NM_058246.4(DNAJB6):c.160G>A (p.Glu54Lys)

Gene: DNAJB6 (DnaJ heat shock protein family (Hsp40) member B6; plus strand). Cytogenetic location: 7q36.3.
Variant type: single nucleotide variant.
Coding change: c.160G>A on transcript NM_058246.4 (MANE Select); coding-DNA position 160, G replaced by A.
Protein change: p.Glu54Lys; replaces glutamic acid 54 with lysine.
Molecular consequence: missense variant.
Genome position (GRCh38, 1-based): chr7:157,363,255, G>A. VCF-style: chr7-157363255-G-A. GRCh37 (hg19) VCF-style: chr7-157155949-G-A.
Other names: c.160G>A, p.Glu54Lys (NM_001363676.1, NM_005494.3); short protein forms E54K.
Identifiers: ClinVar variation 1348530 (VCV001348530.8), dbSNP rs2116974201, ClinGen allele CA370165834.

ClinVar aggregate classification (germline): Uncertain significance (1 of 4 stars; one submission).

Conditions:
Autosomal dominant limb-girdle muscular dystrophy type 1D (DNAJB6) (LGMDD1). Also called: MUSCULAR DYSTROPHY, LIMB-GIRDLE, TYPE 1D; MUSCULAR DYSTROPHY, AUTOSOMAL DOMINANT, WITH RIMMED VACUOLES; Autosomal dominant limb-girdle muscular dystrophy type 1D; Muscular dystrophy, limb-girdle, autosomal dominant 1. Identifiers: Orphanet 34516, MedGen C4721885, MONDO:0021018, OMIM 603511.

Submission:

Labcorp Genetics (formerly Invitae), Labcorp
Classification: Uncertain significance for Autosomal dominant limb-girdle muscular dystrophy type 1D (DNAJB6). Last evaluated: 2020-12-23. Review status: criteria provided, single submitter. Criteria: Invitae Variant Classification Sherloc (09022015). Collection method: clinical testing. Allele origin: germline.
Comment: In summary, the available evidence is currently insufficient to determine the role of this variant in disease. Therefore, it has been classified as a Variant of Uncertain Significance. This variant disrupts the p.Glu54 amino acid residue in DNAJB6. Other variant(s) that disrupt this residue have been observed in individuals with DNAJB6-related conditions (PMID: 31955980), which suggests that this may be a clinically significant amino acid residue. Algorithms developed to predict the effect of missense changes on protein structure and function (SIFT, PolyPhen-2, Align-GVGD) all suggest that this variant is likely to be disruptive, but these predictions have not been confirmed by published functional studies and their clinical significance is uncertain. This variant has been observed in individual(s) with clinical features of limb-girdle muscular dystrophy (Invitae). This variant is not present in population databases (ExAC no frequency). This sequence change replaces glutamic acid with lysine at codon 54 of the DNAJB6 protein (p.Glu54Lys). The glutamic acid residue is highly conserved and there is a small physicochemical difference between glutamic acid and lysine.

Literature cited by the submitters: PubMed 31955980.